The following is an entry in ClinVar:

NM_021969.3(NR0B2):c.335C>A (p.Ala112Asp)

Genes: NR0B2 (nuclear receptor subfamily 0 group B member 2; minus strand), NUDC (nuclear distribution C, dynein complex regulator; plus strand). Cytogenetic location: 1p36.11.
Variant type: single nucleotide variant.
Coding change: c.335C>A on transcript NM_021969.3 (MANE Select); coding-DNA position 335, C replaced by A.
Protein change: p.Ala112Asp; replaces alanine 112 with aspartic acid.
Molecular consequence: missense variant.
Genome position (GRCh38, 1-based): chr1:26,913,606, G>T on the plus strand (C>A on the coding strand, the complement: NR0B2 is on the minus strand). VCF-style: chr1-26913606-G-T. GRCh37 (hg19) VCF-style: chr1-27240097-G-T.
Other names: short protein forms A112D.
Identifiers: ClinVar variation 4993841 (VCV004993841.1).
Genomic context (GRCh38, chr1:26,913,606, plus strand): 5'-CTGCCTCCACTGCTGCTGGGCTCCTCCAGCAGAATCTTCTTGAGTATGCTGGGCACCGGG[G>T]CCTCAGCCACCTCAAAGGTCACAGCATCTTGGGCCAACCCAAGCAGGAAGAGGGGGCCCC-3'
Protein context (NP_068804.1, residues 102-122): QDAVTFEVAE[Ala112Asp]PVPSILKKIL

ClinVar aggregate classification (germline): Uncertain significance (1 of 4 stars; one submission).

Conditions:
NR0B2-related disorder. Also called: NR0B2-related condition.

gnomAD v4.1: 3 of 1,614,066 alleles (0.00019%); highest among the groups gnomAD compares: Admixed American, 0.0033%; no homozygotes.

Submission:

PreventionGenetics, part of Exact Sciences
Classification: Uncertain significance for NR0B2-related condition. Last evaluated: 2026-05-15. Review status: criteria provided, single submitter. Criteria: ACMG Guidelines, 2015. Collection method: clinical testing. Allele origin: germline.
Comment: The NR0B2 c.335C>A variant is predicted to result in the amino acid substitution p.Ala112Asp. To our knowledge, this variant has not been reported in the literature. This variant is reported in 0.0058% of alleles in individuals of Latino descent in gnomAD. At this time, the clinical significance of this variant is uncertain due to the absence of conclusive functional and genetic evidence.